The following is an entry in ClinVar:

NM_005359.6(SMAD4):c.637A>G (p.Asn213Asp)

Gene: SMAD4 (SMAD family member 4; plus strand). Cytogenetic location: 18q21.2.
Variant type: single nucleotide variant.
Coding change: c.637A>G on transcript NM_005359.6 (MANE Select); coding-DNA position 637, A replaced by G.
Protein change: p.Asn213Asp; replaces asparagine 213 with aspartic acid.
Molecular consequence: missense variant.
Genome position (GRCh38, 1-based): chr18:51,054,963, A>G. VCF-style: chr18-51054963-A-G. GRCh37 (hg19) VCF-style: chr18-48581333-A-G.
Other names: c.637A>G, p.Asn213Asp (NM_001407041.1, NM_001407042.1, NM_001407043.1); short protein forms N213D.
Identifiers: ClinVar variation 1753154 (VCV001753154.2), dbSNP rs2144419490, ClinGen allele CA402461250.
Genomic context (GRCh38, chr18:51,054,963, plus strand): 5'-GAGACATACAGCACCCCAGCTCTGTTAGCCCCATCTGAGTCTAATGCTACCAGCACTGCC[A>G]ACTTTCCCAACATTCCTGTGGCTTCCACAAGTGAGTTCTAGAATCAGATGTAGTCAGCAA-3'
Protein context (NP_005350.1, residues 203-223): PSESNATSTA[Asn213Asp]FPNIPVASTS

ClinVar aggregate classification (germline): Uncertain significance (1 of 4 stars; one submission).

Conditions:
Familial thoracic aortic aneurysm and aortic dissection (TAAD). Also called: Thoracic aortic aneurysms and dissections. Identifiers: Orphanet 91387, MedGen C4707243, MONDO:0019625.
Hereditary cancer-predisposing syndrome. Also called: Neoplastic Syndromes, Hereditary; Tumor predisposition; Hereditary Cancer Syndrome; Hereditary neoplastic syndrome. Identifiers: Orphanet 140162, MedGen C0027672, MeSH D009386, MONDO:0015356.

Submission:

Ambry Genetics
Classification: Uncertain significance for Hereditary cancer-predisposing syndrome; Familial thoracic aortic aneurysm and aortic dissection. Last evaluated: 2022-10-23. Review status: criteria provided, single submitter. Criteria: Ambry Variant Classification Scheme 2023. Collection method: clinical testing. Allele origin: germline.
Comment: The p.N213D variant (also known as c.637A>G), located in coding exon 4 of the SMAD4 gene, results from an A to G substitution at nucleotide position 637. The asparagine at codon 213 is replaced by aspartic acid, an amino acid with highly similar properties. This amino acid position is conserved. In addition, the in silico prediction for this alteration is inconclusive. Since supporting evidence is limited at this time, the clinical significance of this alteration remains unclear.